The following is an entry in ClinVar:

ClinVar aggregate classification (germline): Uncertain significance (1 of 4 stars; one submission).

Conditions:
Duchenne muscular dystrophy (DMD). Also called: MUSCULAR DYSTROPHY, PSEUDOHYPERTROPHIC PROGRESSIVE, DUCHENNE TYPE; Duchenne Muscular Dystrophy (DMD). Identifiers: Orphanet 98896, MedGen C0013264, MONDO:0010679, OMIM 310200.

Submission:

Labcorp Genetics (formerly Invitae), Labcorp
Classification: Uncertain significance for Duchenne muscular dystrophy. Last evaluated: 2022-10-21. Review status: criteria provided, single submitter. Criteria: Invitae Variant Classification Sherloc (09022015). Collection method: clinical testing. Allele origin: germline.
Comment: This sequence change replaces aspartic acid, which is acidic and polar, with valine, which is neutral and non-polar, at codon 2740 of the DMD protein (p.Asp2740Val). In summary, the available evidence is currently insufficient to determine the role of this variant in disease. Therefore, it has been classified as a Variant of Uncertain Significance. Algorithms developed to predict the effect of missense changes on protein structure and function (SIFT, PolyPhen-2, Align-GVGD) all suggest that this variant is likely to be disruptive. This variant has not been reported in the literature in individuals affected with DMD-related conditions. This variant is not present in population databases (gnomAD no frequency).

NM_004006.3(DMD):c.8219A>T (p.Asp2740Val)

Gene: DMD (dystrophin; minus strand). Cytogenetic location: Xp21.1.
Variant type: single nucleotide variant.
Coding change: c.8219A>T on transcript NM_004006.3 (MANE Select); coding-DNA position 8219, A replaced by T.
Protein change: p.Asp2740Val; replaces aspartic acid 2740 with valine.
Molecular consequence: missense variant.
Genome position (GRCh38, 1-based): chrX:31,507,452, T>A on the plus strand (A>T on the coding strand, the complement: DMD is on the minus strand). VCF-style: chrX-31507452-T-A. GRCh37 (hg19) VCF-style: chrX-31525569-T-A.
Other names: c.8195A>T, p.Asp2732Val (NM_000109.4); c.8207A>T, p.Asp2736Val (NM_004009.3); c.7850A>T, p.Asp2617Val (NM_004010.3); c.4196A>T, p.Asp1399Val (NM_004011.4); c.4187A>T, p.Asp1396Val (NM_004012.4); c.839A>T, p.Asp280Val (NM_004013.3, NM_004020.4, NM_004021.3 and 2 more transcripts); c.32A>T, p.Asp11Val (NM_004014.3); short protein forms D11V, D1396V, D1399V, D2617V, D2732V, D2736V, D2740V, D280V.
Identifiers: ClinVar variation 1721901 (VCV001721901.6), dbSNP rs771051897, ClinGen allele CA412656449.